The following is an entry in ClinVar:

NM_000222.3(KIT):c.420C>A (p.Asp140Glu)

Gene: KIT (KIT proto-oncogene, receptor tyrosine kinase; plus strand). Cytogenetic location: 4q12.
Variant type: single nucleotide variant.
Coding change: c.420C>A on transcript NM_000222.3 (MANE Select); coding-DNA position 420, C replaced by A.
Protein change: p.Asp140Glu; replaces aspartic acid 140 with glutamic acid.
Molecular consequence: missense variant.
Genome position (GRCh38, 1-based): chr4:54,698,366, C>A. VCF-style: chr4-54698366-C-A. GRCh37 (hg19) VCF-style: chr4-55564532-C-A.
Other names: c.420C>A, p.Asp140Glu (NM_001093772.2, NM_001385284.1, NM_001385285.1 and 4 more transcripts); short protein forms D140E.
Identifiers: ClinVar variation 1738718 (VCV001738718.2), dbSNP rs778793243, ClinGen allele CA356897547.

ClinVar aggregate classification (germline): Uncertain significance (1 of 4 stars; one submission).

Conditions:
Hereditary cancer-predisposing syndrome. Also called: Hereditary Cancer Syndrome; Hereditary neoplastic syndrome; Neoplastic Syndromes, Hereditary; Tumor predisposition. Identifiers: Orphanet 140162, MedGen C0027672, MeSH D009386, MONDO:0015356.

Submission:

Ambry Genetics
Classification: Uncertain significance for Hereditary cancer-predisposing syndrome. Last evaluated: 2022-03-29. Review status: criteria provided, single submitter. Criteria: Ambry Variant Classification Scheme 2023. Collection method: clinical testing. Allele origin: germline.
Comment: The p.D140E variant (also known as c.420C>A), located in coding exon 3 of the KIT gene, results from a C to A substitution at nucleotide position 420. The aspartic acid at codon 140 is replaced by glutamic acid, an amino acid with highly similar properties. This amino acid position is conserved. In addition, this alteration is predicted to be tolerated by in silico analysis. Since supporting evidence is limited at this time, the clinical significance of this alteration remains unclear.